The following is an entry in ClinVar:

NM_001002295.2(GATA3):c.435C>T (p.His145=)

Gene: GATA3 (GATA binding protein 3; plus strand). Cytogenetic location: 10p14.
Variant type: single nucleotide variant.
Coding change: c.435C>T on transcript NM_001002295.2 (MANE Select); coding-DNA position 435, C replaced by T.
Protein change: p.His145=; no amino-acid change (histidine 145 retained).
Molecular consequence: synonymous variant.
Genome position (GRCh38, 1-based): chr10:8,058,498, C>T. VCF-style: chr10-8058498-C-T. GRCh37 (hg19) VCF-style: chr10-8100461-C-T.
Other names: c.435C>T, p.His145= (NM_002051.3); c.435C>T (NM_001002295.1).
Identifiers: ClinVar variation 2415708 (VCV002415708.8), dbSNP rs765392255, ClinGen allele CA5404370.

ClinVar aggregate classification (germline): Benign/Likely benign. Review status: criteria provided, multiple submitters, no conflicts (2 of 4 stars). 2 submissions from 2 submitters: Benign (1); Likely benign (1). Last evaluated 2026-09-18.

Conditions:
GATA3-related disorder. Also called: GATA3-related condition.

Allele frequency attached by ClinVar (database versions not stated): gnomAD 0.00003; TOPMed 0.00008; ExAC 0.00013; 1000 Genomes Project 30x 0.00016.
gnomAD v4.1: 32 of 1,612,210 alleles (0.002%); highest among the groups gnomAD compares: East Asian, 0.071%; no homozygotes.

Submissions (2):

PreventionGenetics, part of Exact Sciences
Classification: Likely benign for GATA3-related condition. Last evaluated: 2026-09-18. Review status: criteria provided, single submitter. Criteria: ACMG Guidelines, 2015. Collection method: clinical testing. Allele origin: germline.
Comment: This variant is classified as likely benign based on ACMG/AMP sequence variant interpretation guidelines (Richards et al. 2015 PMID: 25741868, with internal and published modifications).

Labcorp Genetics (formerly Invitae), Labcorp
Classification: Benign. Last evaluated: 2024-08-30. Review status: criteria provided, single submitter. Criteria: Invitae Variant Classification Sherloc (09022015). Collection method: clinical testing. Allele origin: germline.